The following is an entry in ClinVar:

ClinVar aggregate classification (germline): Uncertain significance (1 of 4 stars; one submission).

Conditions:
Inborn genetic diseases. Identifiers: MedGen C0950123, MeSH D030342.

Submission:

Ambry Genetics
Classification: Uncertain significance for Inborn genetic diseases. Last evaluated: 2026-01-14. Review status: criteria provided, single submitter. Criteria: Ambry Variant Classification Scheme 2023. Collection method: clinical testing. Allele origin: germline.
Comment: The p.L816P variant (also known as c.2447T>C), located in coding exon 26 of the RTEL1 gene, results from a T to C substitution at nucleotide position 2447. The leucine at codon 816 is replaced by proline, an amino acid with similar properties. This amino acid position is conserved. In addition, the in silico prediction for this alteration is inconclusive. Based on the available evidence, the clinical significance of this variant remains unclear.

NM_001283009.2(RTEL1):c.2447T>C (p.Leu816Pro)

Genes: RTEL1 (regulator of telomere elongation helicase 1; plus strand), RTEL1-TNFRSF6B (RTEL1-TNFRSF6B readthrough (NMD candidate); plus strand). Cytogenetic location: 20q13.33.
Variant type: single nucleotide variant.
Coding change: c.2447T>C on transcript NM_001283009.2 (MANE Select); coding-DNA position 2447, T replaced by C.
Protein change: p.Leu816Pro; replaces leucine 816 with proline.
Molecular consequence: missense variant. On other transcripts: non-coding transcript variant (1).
Genome position (GRCh38, 1-based): chr20:63,690,838, T>C. VCF-style: chr20-63690838-T-C. GRCh37 (hg19) VCF-style: chr20-62322191-T-C.
Other names: c.1778T>C, p.Leu593Pro (NM_001283010.1); c.2447T>C, p.Leu816Pro (NM_016434.4); c.2519T>C, p.Leu840Pro (NM_032957.5); short protein forms L593P, L816P, L840P.
Identifiers: ClinVar variation 4844093 (VCV004844093.1).